The following is an entry in ClinVar:

NM_000520.6(HEXA):c.1114del (p.Val372fs)

Gene: HEXA (hexosaminidase subunit alpha; minus strand). Cytogenetic location: 15q23.
Variant type: Deletion.
Coding change: c.1114del on transcript NM_000520.6 (MANE Select); coding-DNA position 1114, one base deleted (G; older notation c.1114delG).
Protein change: p.Val372fs; shifts the reading frame from valine 372.
Molecular consequence: frameshift variant.
Genome position (GRCh38, 1-based): chr15:72,347,718, C deleted on the plus strand (G on the coding strand, the reverse complement: HEXA is on the minus strand); the first of 2 consecutive C bases (chr15:72,347,718-72,347,719); deleting either gives the same sequence. VCF-style (leftmost placement, unchanged base first): chr15-72347717-AC-A. GRCh37 (hg19) VCF-style: chr15-72640058-AC-A.
Other names: c.1114delG (NM_000520.5); c.1147del, p.Val383fs (NM_001318825.2); short protein forms V372fs, V383fs.
Identifiers: ClinVar variation 1453693 (VCV001453693.9), dbSNP rs2140321846, ClinGen allele CA2573151165.
Genomic context (GRCh38, chr15:72,347,717, plus strand): 5'-GGCTTCTTCTCTTCTCTGCCCCGGCTCACCTTTACTTTATTATCAAACACCTCCTGCCAC[AC>A]CACATAGCCCTTGCCATAAGAAGAGACGATGTCCAGCAGCCTGGAGAGGAGAGGAGTGTC-3'

ClinVar aggregate classification (germline): Pathogenic/Likely pathogenic. Review status: criteria provided, multiple submitters, no conflicts (2 of 4 stars). 3 submissions from 3 submitters: Pathogenic (1); Likely pathogenic (2). Last evaluated 2025-03-22.

Conditions:
Tay-Sachs disease (TSD). Also called: HEXA DEFICIENCY; GM2 gangliosidosis, type 1; Hexosaminidase alpha-subunit deficiency (variant B); Sphingolipidosis, Tay-Sachs; HEXA Disorders; Hexosaminidase A Deficiency. Identifiers: Orphanet 845, MedGen C0039373, MONDO:0010100, OMIM 272800.

Submissions (3):

Natera, Inc.
Classification: Likely pathogenic for Tay-Sachs disease. Last evaluated: 2025-03-22. Review status: criteria provided, single submitter. Criteria: Natera Variant Classification Schema (03/2026). Collection method: clinical testing. Allele origin: germline.
Comment: The c.1114delG variant in HEXA is a frameshift variant predicted to shift the reading frame beginning at codon 372 and leads to a stop codon 10 codons downstream. This variant is expected to result in nonsense mediated decay, truncation, or a dysfunctional protein product. This variant is rare in the general population with a frequency below the threshold expected for the associated phenotype(s). Given the available evidence, this variant is classified as Likely Pathogenic.

Myriad Genetics, Inc.
Classification: Likely pathogenic for Tay-Sachs disease. Last evaluated: 2022-02-20. Review status: criteria provided, single submitter. Criteria: Myriad Women's Health Autosomal Recessive and X-Linked Classification Criteria (2021). Collection method: clinical testing. Allele origin: unknown.
Comment: NM_000520.4(HEXA):c.1114delG(V372Cfs*10) is expected to be pathogenic in the context of hexosaminidase A deficiency. This variant is predicted to lead to an abnormal or absent protein product due to the creation of a premature termination codon in HEXA, a gene where loss-of-function variants are known to be pathogenic. Please note: this variant was assessed in the context of healthy population screening.

Labcorp Genetics (formerly Invitae), Labcorp
Classification: Pathogenic for Tay-Sachs disease. Last evaluated: 2021-02-11. Review status: criteria provided, single submitter. Criteria: Invitae Variant Classification Sherloc (09022015). Collection method: clinical testing. Allele origin: germline.
Comment: This variant is not present in population databases (ExAC no frequency). This variant has not been reported in the literature in individuals with HEXA-related conditions. For these reasons, this variant has been classified as Pathogenic. This sequence change creates a premature translational stop signal (p.Val372Cysfs*10) in the HEXA gene. It is expected to result in an absent or disrupted protein product. Loss-of-function variants in HEXA are known to be pathogenic (PMID: 1833974, 8490625).

Literature cited by the submitters: PubMed 1833974 (cited by Labcorp Genetics (formerly Invitae), Labcorp); PubMed 8490625 (cited by Labcorp Genetics (formerly Invitae), Labcorp).